The following is an entry in ClinVar:

ClinVar aggregate classification (germline): Uncertain significance. Review status: criteria provided, multiple submitters, no conflicts (2 of 4 stars). 2 submissions from 2 submitters: Uncertain significance (2). Last evaluated 2025-08-25.

Conditions:
ANLN-related disorder. Also called: ANLN-related condition.

Allele frequency attached by ClinVar (database versions not stated): gnomAD exomes 0.00001; ExAC 0.00002; TOPMed 0.00002.
gnomAD v4.1: 54 of 1,614,054 alleles (0.0033%); highest among the groups gnomAD compares: South Asian, 0.0055%; no homozygotes.

Submissions (2):

PreventionGenetics, part of Exact Sciences
Classification: Uncertain significance for ANLN-related condition. Last evaluated: 2025-08-25. Review status: criteria provided, single submitter. Criteria: ACMG Guidelines, 2015. Collection method: clinical testing. Allele origin: germline.
Comment: The ANLN c.1964G>A variant is predicted to result in the amino acid substitution p.Arg655Gln. To our knowledge, this variant has not been reported in the literature. This variant is reported in 0.0065% of alleles in individuals of South Asian descent in gnomAD. Although we suspect that this variant may be benign, at this time, the clinical significance of this variant is uncertain due to the absence of conclusive functional and genetic evidence.

Labcorp Genetics (formerly Invitae), Labcorp
Classification: Uncertain significance. Last evaluated: 2021-11-11. Review status: criteria provided, single submitter. Criteria: Invitae Variant Classification Sherloc (09022015). Collection method: clinical testing. Allele origin: germline.
Comment: In summary, the available evidence is currently insufficient to determine the role of this variant in disease. Therefore, it has been classified as a Variant of Uncertain Significance. Algorithms developed to predict the effect of missense changes on protein structure and function are either unavailable or do not agree on the potential impact of this missense change (SIFT: "Tolerated"; PolyPhen-2: "Probably Damaging"; Align-GVGD: "Class C0"). This variant has not been reported in the literature in individuals affected with ANLN-related conditions. This variant is present in population databases (rs776619611, gnomAD 0.006%). This sequence change replaces arginine, which is basic and polar, with glutamine, which is neutral and polar, at codon 655 of the ANLN protein (p.Arg655Gln).

NM_018685.5(ANLN):c.1964G>A (p.Arg655Gln)

Gene: ANLN (anillin, actin binding protein; plus strand). Cytogenetic location: 7p14.2.
Variant type: single nucleotide variant.
Coding change: c.1964G>A on transcript NM_018685.5 (MANE Select); coding-DNA position 1964, G replaced by A.
Protein change: p.Arg655Gln; replaces arginine 655 with glutamine.
Molecular consequence: missense variant.
Genome position (GRCh38, 1-based): chr7:36,420,263, G>A. VCF-style: chr7-36420263-G-A. GRCh37 (hg19) VCF-style: chr7-36459872-G-A.
Other names: c.1964G>A (NM_018685.4); c.1853G>A, p.Arg618Gln (NM_001284301.3); c.1850G>A, p.Arg617Gln (NM_001284302.3); short protein forms R655Q, R617Q, R618Q.
Identifiers: ClinVar variation 1358595 (VCV001358595.7), dbSNP rs776619611, ClinGen allele CA4219735.